The following is an entry in ClinVar:

ClinVar aggregate classification (germline): Uncertain significance (1 of 4 stars; one submission).

Conditions:
Smith-Lemli-Opitz syndrome (SLOS). Also called: POLYDACTYLY, SEX REVERSAL, RENAL HYPOPLASIA, AND UNILOBAR LUNG; RSH SYNDROME; RUTLEDGE LETHAL MULTIPLE CONGENITAL ANOMALY SYNDROME; LETHAL ACRODYSGENITAL SYNDROME; 7-Dehydrocholesterol reductase deficiency. Identifiers: Orphanet 818, MedGen C0175694, MONDO:0010035, OMIM 270400.

Submission:

Labcorp Genetics (formerly Invitae), Labcorp
Classification: Uncertain significance for Smith-Lemli-Opitz syndrome. Last evaluated: 2024-12-10. Review status: criteria provided, single submitter. Criteria: Invitae Variant Classification Sherloc (09022015). Collection method: clinical testing. Allele origin: germline.
Comment: This sequence change replaces glycine, which is neutral and non-polar, with serine, which is neutral and polar, at codon 147 of the DHCR7 protein (p.Gly147Ser). Information on the frequency of this variant in the gnomAD database is not available, as this variant may be reported differently in the database. This missense change has been observed in individual(s) with clinical features of Smith-Lemli-Opitz syndrome (PMID: 31974414). In at least one individual the data is consistent with being in trans (on the opposite chromosome) from a pathogenic variant. ClinVar contains an entry for this variant (Variation ID: 2156832). Experimental studies and prediction algorithms are not available or were not evaluated, and the functional significance of this variant is currently unknown. This variant disrupts the p.Gly147 amino acid residue in DHCR7. Other variant(s) that disrupt this residue have been determined to be pathogenic (PMID: 10995508, 12818773). This suggests that this residue is clinically significant, and that variants that disrupt this residue are likely to be disease-causing. In summary, the available evidence is currently insufficient to determine the role of this variant in disease. Therefore, it has been classified as a Variant of Uncertain Significance.

Literature cited by the submitters: PubMed 31974414; PubMed 10995508; PubMed 12818773.

NM_001360.3(DHCR7):c.438_439inv (p.Gly147Ser)

Gene: DHCR7 (7-dehydrocholesterol reductase; minus strand). Cytogenetic location: 11q13.4.
Variant type: Inversion.
Coding change: c.438_439inv on transcript NM_001360.3 (MANE Select).
Protein change: p.Gly147Ser; replaces glycine 147 with serine.
Molecular consequence: missense variant.
Genome position: GRCh38 VCF-style: chr11-71441414-CA-TG. GRCh37 (hg19) VCF-style: chr11-71152460-CA-TG.
Other names: c.438_439inv, p.Gly147Ser (NM_001163817.2); short protein forms G147S.
Identifiers: ClinVar variation 2156832 (VCV002156832.3), ClinGen allele CA2580084860.
Genomic context (GRCh38, chr11:71,441,414, plus strand): 5'-AGGACAGGAGATGAGCGTTTGCAAACCAGAGCAGGTGCGTGAGGAGCCAGGCTTGCAGGC[CA>TG]TTGATCTGATACTTGTTCACAACCCCTGCAGATGAAGGATTCAGAAATGAAGGCGCTTTC-3'
Protein context (NP_001351.2, residues 137-157): AGVVNKYQIN[Gly147Ser]LQAWLLTHLL